The following is an entry in ClinVar:

NM_170707.4(LMNA):c.23G>T (p.Arg8Leu)

Genes: LMNA (lamin A/C; plus strand), LOC129931597 (ATAC-STARR-seq lymphoblastoid silent region 1421; plus strand). Cytogenetic location: 1q22.
Variant type: single nucleotide variant.
Coding change: c.23G>T on transcript NM_170707.4 (MANE Select); coding-DNA position 23, G replaced by T.
Protein change: p.Arg8Leu; replaces arginine 8 with leucine.
Molecular consequence: missense variant. On other transcripts: 5 prime UTR variant (8), intron variant (2).
Genome position (GRCh38, 1-based): chr1:156,114,941, G>T. VCF-style: chr1-156114941-G-T. GRCh37 (hg19) VCF-style: chr1-156084732-G-T.
Other names: c.23G>T, p.Arg8Leu (NM_001282625.2, NM_001282626.2, NM_001406983.1 and 6 more transcripts); c.-401G>T (NM_001406986.1); c.-379G>T (NM_001406990.1, NM_001406995.1, NM_001407002.1); c.-642G>T (NM_001406994.1, NM_001407000.1); c.-822G>T (NM_001406999.1); c.-485G>T (NM_001407001.1); c.-203+8118G>T (NM_001406993.1, NM_001407003.1); short protein forms R8L.
Identifiers: ClinVar variation 4799950 (VCV004799950.1).

ClinVar aggregate classification (germline): Uncertain significance (1 of 4 stars; one submission).

Conditions:
Charcot-Marie-Tooth disease type 2. Also called: Charcot-Marie-Tooth type 2. Identifiers: Orphanet 64746, MedGen C0270914, MONDO:0018993.

Submission:

Labcorp Genetics (formerly Invitae), Labcorp
Classification: Uncertain significance for Charcot-Marie-Tooth disease type 2. Last evaluated: 2025-03-09. Review status: criteria provided, single submitter. Criteria: Invitae Variant Classification Sherloc (09022015). Collection method: clinical testing. Allele origin: germline.
Comment: This sequence change replaces arginine, which is basic and polar, with leucine, which is neutral and non-polar, at codon 8 of the LMNA protein (p.Arg8Leu). This variant is not present in population databases (gnomAD no frequency). This variant has not been reported in the literature in individuals affected with LMNA-related conditions. Invitae Evidence Modeling of protein sequence and biophysical properties (such as structural, functional, and spatial information, amino acid conservation, physicochemical variation, residue mobility, and thermodynamic stability) indicates that this missense variant is expected to disrupt LMNA protein function with a positive predictive value of 95%. In summary, the available evidence is currently insufficient to determine the role of this variant in disease. Therefore, it has been classified as a Variant of Uncertain Significance.